The following is an entry in ClinVar:

ClinVar aggregate classification (germline): Uncertain significance. Review status: criteria provided, multiple submitters, no conflicts (2 of 4 stars). 2 submissions from 2 submitters: Uncertain significance (2). Last evaluated 2024-05-17.

Allele frequency attached by ClinVar (database versions not stated): gnomAD 0.00003; TOPMed 0.00004; gnomAD exomes 0.00007; ExAC 0.00008; ESP Exome Variant Server 0.00008; 1000 Genomes Project 30x 0.00016; 1000 Genomes Project 0.00020.
gnomAD v4.1: 116 of 1,613,964 alleles (0.0072%); highest among the groups gnomAD compares: East Asian, 0.058%; no homozygotes.

Submissions (2):

Blueprint Genetics
Classification: Uncertain significance. Last evaluated: 2024-05-17. Review status: criteria provided, single submitter. Criteria: ACMG Guidelines, 2015. Collection method: clinical testing. Allele origin: germline.

Women's Health and Genetics/Laboratory Corporation of America, LabCorp
Classification: Uncertain significance. Last evaluated: 2023-05-19. Review status: criteria provided, single submitter. Criteria: LabCorp Variant Classification Summary - May 2015. Collection method: clinical testing. Allele origin: germline.
Comment: Variant summary: CC2D1A c.1610C>T (p.Ser537Leu) results in a non-conservative amino acid change located in the DM14 domain (IPR006608) of the encoded protein sequence. Four of five in-silico tools predict a damaging effect of the variant on protein function. The variant allele was found at a frequency of 7.7e-05 in 247208 control chromosomes, predominantly at a frequency of 0.00078 within the East Asian subpopulation in the gnomAD database. However, the variant is found at even higher frequencies in certain East Asian subpopulations, e.g. in the Koreans (gnomAD Koreans: 0.001572, KoVa: 0.0016422 KoEXID Beta: 0.00382). These data indicate that the variant may be associated with disease. To our knowledge, no experimental evidence demonstrating an impact on protein function has been reported. The following publication have been ascertained in the context of this evaluation (PMID: 34217350). No clinical diagnostic laboratories have submitted clinical-significance assessments for this variant to ClinVar after 2014. Based on the evidence outlined above, the variant was classified as VUS-possibly pathogenic.

Literature cited by the submitters: PubMed 34217350 (cited by Women's Health and Genetics/Laboratory Corporation of America, LabCorp).

NM_017721.5(CC2D1A):c.1610C>T (p.Ser537Leu)

Gene: CC2D1A (coiled-coil and C2 domain containing 1A; plus strand). Cytogenetic location: 19p13.12.
Variant type: single nucleotide variant.
Coding change: c.1610C>T on transcript NM_017721.5 (MANE Select); coding-DNA position 1610, C replaced by T.
Protein change: p.Ser537Leu; replaces serine 537 with leucine.
Molecular consequence: missense variant.
Genome position (GRCh38, 1-based): chr19:13,920,891, C>T. VCF-style: chr19-13920891-C-T. GRCh37 (hg19) VCF-style: chr19-14031704-C-T.
Other names: c.1610C>T, p.Ser537Leu (NM_001411138.1); short protein forms S537L.
Identifiers: ClinVar variation 2506031 (VCV002506031.2), dbSNP rs368565271, ClinGen allele CA9244724.